The following is an entry in ClinVar:

NM_015662.3(IFT172):c.534G>C (p.Arg178Ser)

Gene: IFT172 (intraflagellar transport 172; minus strand). Cytogenetic location: 2p23.3.
Variant type: single nucleotide variant.
Coding change: c.534G>C on transcript NM_015662.3 (MANE Select); coding-DNA position 534, G replaced by C.
Protein change: p.Arg178Ser; replaces arginine 178 with serine.
Molecular consequence: missense variant.
Genome position (GRCh38, 1-based): chr2:27,483,325, C>G on the plus strand (G>C on the coding strand, the complement: IFT172 is on the minus strand). VCF-style: chr2-27483325-C-G. GRCh37 (hg19) VCF-style: chr2-27706192-C-G.
Other names: c.534G>C, p.Arg178Ser (NM_001410739.1); short protein forms R178S.
Identifiers: ClinVar variation 2099096 (VCV002099096.4), dbSNP rs1276028344, ClinGen allele CA346399487.
Genomic context (GRCh38, chr2:27,483,325, plus strand): 5'-TCCCACAACATTCTTTATTCATACCTGTGACTCTCCAGAGCCTTCATCATCAAAGAAATA[C>G]CTAACGATGGTACCATCTGCATGACCAGAGAGAATTCCTTTCCCAGAGCAACTAAAAAAG-3'
Protein context (NP_056477.1, residues 168-188): LSGHADGTIV[Arg178Ser]YFFDDEGSGE

ClinVar aggregate classification (germline): Uncertain significance (1 of 4 stars; one submission).

Conditions:
Short-rib thoracic dysplasia 10 with or without polydactyly (SRTD10). Identifiers: Orphanet 474, MedGen C3810175, MONDO:0014284, OMIM 615630.
Retinitis pigmentosa 71 (RP71). Identifiers: Orphanet 791, MedGen C4225342, MONDO:0014618, OMIM 616394.

Submission:

Labcorp Genetics (formerly Invitae), Labcorp
Classification: Uncertain significance for Retinitis pigmentosa 71; Short-rib thoracic dysplasia 10 with or without polydactyly. Last evaluated: 2022-02-19. Review status: criteria provided, single submitter. Criteria: Invitae Variant Classification Sherloc (09022015). Collection method: clinical testing. Allele origin: germline.
Comment: Algorithms developed to predict the effect of missense changes on protein structure and function are either unavailable or do not agree on the potential impact of this missense change (SIFT: "Tolerated"; PolyPhen-2: "Probably Damaging"; Align-GVGD: "Class C0"). This sequence change replaces arginine, which is basic and polar, with serine, which is neutral and polar, at codon 178 of the IFT172 protein (p.Arg178Ser). This variant is not present in population databases (gnomAD no frequency). This variant has not been reported in the literature in individuals affected with IFT172-related conditions. In summary, the available evidence is currently insufficient to determine the role of this variant in disease. Therefore, it has been classified as a Variant of Uncertain Significance.